The following is an entry in ClinVar:

ClinVar aggregate classification (germline): Pathogenic (1 of 4 stars; one submission).

Conditions:
Ehlers-Danlos syndrome, dermatosparaxis type. Also called: Ehlers-Danlos syndrome, type VII, autosomal recessive; EDS VIIC; Dermatosparaxis. Identifiers: Orphanet 1901, MedGen C2700425, MONDO:0009161, OMIM 225410.

gnomAD v4.1: 1 of 1,614,210 alleles (0.000062%); highest among the groups gnomAD compares: Non-Finnish European, 0.000085%; no homozygotes.

Submission:

Labcorp Genetics (formerly Invitae), Labcorp
Classification: Pathogenic for Ehlers-Danlos syndrome, dermatosparaxis type. Last evaluated: 2022-02-28. Review status: criteria provided, single submitter. Criteria: Invitae Variant Classification Sherloc (09022015). Collection method: clinical testing. Allele origin: germline.
Comment: For these reasons, this variant has been classified as Pathogenic. This sequence change creates a premature translational stop signal (p.Trp345*) in the ADAMTS2 gene. It is expected to result in an absent or disrupted protein product. Loss-of-function variants in ADAMTS2 are known to be pathogenic (PMID: 10417273). This variant is not present in population databases (gnomAD no frequency). This variant has not been reported in the literature in individuals affected with ADAMTS2-related conditions.

Literature cited by the submitters: PubMed 10417273.

NM_014244.5(ADAMTS2):c.1034G>A (p.Trp345Ter)

Gene: ADAMTS2 (ADAM metallopeptidase with thrombospondin type 1 motif 2; minus strand). Cytogenetic location: 5q35.3.
Variant type: single nucleotide variant.
Coding change: c.1034G>A on transcript NM_014244.5 (MANE Select); coding-DNA position 1034, G replaced by A.
Protein change: p.Trp345Ter; replaces tryptophan 345 with a stop codon.
Molecular consequence: nonsense.
Genome position (GRCh38, 1-based): chr5:179,158,821, C>T on the plus strand (G>A on the coding strand, the complement: ADAMTS2 is on the minus strand). VCF-style: chr5-179158821-C-T. GRCh37 (hg19) VCF-style: chr5-178585822-C-T.
Other names: c.1034G>A, p.Trp345Ter (NM_021599.4); short protein forms W345*.
Identifiers: ClinVar variation 2104599 (VCV002104599.4), dbSNP rs2480257191, ClinGen allele CA362406894.